The following is an entry in ClinVar:

NM_020461.4(TUBGCP6):c.944C>T (p.Ala315Val)

Gene: TUBGCP6 (tubulin gamma complex component 6; minus strand). Cytogenetic location: 22q13.33.
Variant type: single nucleotide variant.
Coding change: c.944C>T on transcript NM_020461.4 (MANE Select); coding-DNA position 944, C replaced by T.
Protein change: p.Ala315Val; replaces alanine 315 with valine.
Molecular consequence: missense variant.
Genome position (GRCh38, 1-based): chr22:50,233,488, G>A on the plus strand (C>T on the coding strand, the complement: TUBGCP6 is on the minus strand). VCF-style: chr22-50233488-G-A. GRCh37 (hg19) VCF-style: chr22-50671917-G-A.
Other names: short protein forms A315V.
Identifiers: ClinVar variation 2505854 (VCV002505854.2), dbSNP rs757527769, ClinGen allele CA10308880.

ClinVar aggregate classification (germline): Uncertain significance (1 of 4 stars; one submission).

Allele frequency attached by ClinVar (database versions not stated): gnomAD 0.00001; gnomAD exomes 0.00001; TOPMed 0.00002; ExAC 0.00003.
gnomAD v4.1: 23 of 1,610,310 alleles (0.0014%); highest among the groups gnomAD compares: South Asian, 0.0033%; no homozygotes.

Submission:

GeneDx
Classification: Uncertain significance. Last evaluated: 2024-05-21. Review status: criteria provided, single submitter. Criteria: GeneDx Variant Classification Process June 2021. Collection method: clinical testing. Allele origin: germline. Affected: yes.
Comment: In silico analysis supports that this missense variant has a deleterious effect on protein structure/function; Not observed at significant frequency in large population cohorts (gnomAD); Has not been previously published as pathogenic or benign to our knowledge